The following is an entry in ClinVar:

NM_133171.5(ELMO2):c.963G>A (p.Arg321=)

Gene: ELMO2 (engulfment and cell motility 2; minus strand). Cytogenetic location: 20q13.12.
Variant type: single nucleotide variant.
Coding change: c.963G>A on transcript NM_133171.5 (MANE Select); coding-DNA position 963, G replaced by A.
Protein change: p.Arg321=; no amino-acid change (arginine 321 retained).
Molecular consequence: synonymous variant.
Genome position (GRCh38, 1-based): chr20:46,375,338, C>T on the plus strand (G>A on the coding strand, the complement: ELMO2 is on the minus strand). VCF-style: chr20-46375338-C-T. GRCh37 (hg19) VCF-style: chr20-45003977-C-T.
Other names: c.699G>A, p.Arg233= (NM_001318253.2); c.963G>A, p.Arg321= (NM_182764.3); c.963G>A (NM_133171.4).
Identifiers: ClinVar variation 993895 (VCV000993895.15), dbSNP rs41310805, ClinGen allele CA9890177.

ClinVar aggregate classification (germline): Benign. Review status: criteria provided, multiple submitters, no conflicts (2 of 4 stars). 4 submissions from 4 submitters: Benign (3). 1 of the submissions does not count toward it. Last evaluated 2025-06-12.

Conditions:
ELMO2-related disorder. Also called: ELMO2-related condition.
Primary intraosseous venous malformation. Also called: HEMANGIOMA, INTRAOSSEOUS; Vascular malformation, primary intraosseous; VASCULAR MALFORMATION OSSEOUS. Identifiers: Orphanet 140436, MedGen C1847197, MONDO:0011744, OMIM 606893.

Allele frequency attached by ClinVar (database versions not stated): 1000 Genomes Project 0.00319; 1000 Genomes Project 30x 0.00328; gnomAD 0.01079 and 0.01127; TOPMed 0.01088; ESP Exome Variant Server 0.01138; gnomAD exomes 0.01216 and 0.01351; ExAC 0.01306.
gnomAD v4.1: 21,354 of 1,614,214 alleles (1.3%); highest among the groups gnomAD compares: Non-Finnish European, 1.5%; 188 homozygotes.

Submissions (4):

ARUP Laboratories, Molecular Genetics and Genomics, ARUP Laboratories
Classification: Benign for Primary intraosseous venous malformation. Last evaluated: 2025-06-12. Review status: criteria provided, single submitter. Criteria: ARUP Molecular Germline Variant Investigation Process 2024. Collection method: clinical testing. Allele origin: germline.

Blueprint Genetics
Classification: Benign. Last evaluated: 2024-11-28. Review status: criteria provided, single submitter. Criteria: ACMG Guidelines, 2015. Collection method: clinical testing. Allele origin: germline.

Breakthrough Genomics
Classification: Benign. Review status: criteria provided, single submitter. Criteria: ACMG Guidelines, 2015. Collection method: not provided. Allele origin: germline. Inheritance: Autosomal recessive inheritance. Affected: yes.

PreventionGenetics, part of Exact Sciences
Classification: Benign for ELMO2-related condition. Last evaluated: 2019-05-10. Review status: no assertion criteria provided. Collection method: clinical testing. Allele origin: germline. Not counted in ClinVar's aggregate classification.
Comment: This variant is classified as benign based on ACMG/AMP sequence variant interpretation guidelines (Richards et al. 2015 PMID: 25741868, with internal and published modifications).